The following is an entry in ClinVar:

ClinVar aggregate classification (germline): Uncertain significance. Review status: criteria provided, multiple submitters, no conflicts (2 of 4 stars). 2 submissions from 2 submitters: Uncertain significance (2). Last evaluated 2025-05-13.

gnomAD v4.1: 8 of 1,613,956 alleles (0.0005%); highest among the groups gnomAD compares: Admixed American, 0.0033%; no homozygotes.

Submissions (2):

Ambry Genetics
Classification: Uncertain significance. Last evaluated: 2025-05-13. Review status: criteria provided, single submitter. Criteria: Ambry Variant Classification Scheme 2023. Collection method: clinical testing. Allele origin: germline.

Dasa
Classification: Uncertain significance. Last evaluated: 2025-01-19. Review status: criteria provided, single submitter. Criteria: DASA Assertion Criteria. Collection method: clinical testing. Allele origin: germline.
Comment: NM_001291746.2(REL):c.1677T>A (p.Phe559Leu) is a missense variant that results in the substitution of phenylalanine with leucine. This variant is rare in population databases. Computational prediction algorithms are consistent with a benign effect. The currently available literature and clinical evidence are not sufficient to establish a definitive association between this variant and the reported condition. Therefore, this variant is classified as a variant of uncertain significance.

NM_001291746.2(REL):c.1677T>A (p.Phe559Leu)

Gene: REL (REL proto-oncogene, NF-kB subunit; plus strand). Cytogenetic location: 2p16.1.
Variant type: single nucleotide variant.
Coding change: c.1677T>A on transcript NM_001291746.2 (MANE Select); coding-DNA position 1677, T replaced by A.
Protein change: p.Phe559Leu; replaces phenylalanine 559 with leucine.
Molecular consequence: missense variant.
Genome position (GRCh38, 1-based): chr2:60,922,448, T>A. VCF-style: chr2-60922448-T-A. GRCh37 (hg19) VCF-style: chr2-61149583-T-A.
Other names: c.1773T>A, p.Phe591Leu (NM_002908.4); short protein forms F559L, F591L.
Identifiers: ClinVar variation 3944430 (VCV003944430.3).